The following is an entry in ClinVar:

ClinVar aggregate classification (germline): Pathogenic (1 of 4 stars; one submission).

Conditions:
Eichsfeld type congenital muscular dystrophy (CMYO3). Also called: MYOPATHY, SEPN1-RELATED; SELENON-related myopathy; Congenital myopathy 3 with rigid spine; Rigid spine muscular dystrophy 1. Identifiers: MedGen C0410180, MONDO:0100100, OMIM 602771.

Submission:

Labcorp Genetics (formerly Invitae), Labcorp
Classification: Pathogenic for Eichsfeld type congenital muscular dystrophy. Last evaluated: 2021-02-24. Review status: criteria provided, single submitter. Criteria: Invitae Variant Classification Sherloc (09022015). Collection method: clinical testing. Allele origin: germline.
Comment: This sequence change creates a premature translational stop signal (p.Gly7Argfs*66) in the SELENON gene. It is expected to result in an absent or disrupted protein product. Loss-of-function variants in SELENON are known to be pathogenic (PMID: 21131290, 21670436). The frequency data for this variant in the population databases is considered unreliable, as metrics indicate insufficient coverage at this position in the ExAC database. This variant has not been reported in the literature in individuals with SELENON-related conditions. For these reasons, this variant has been classified as Pathogenic.

Literature cited by the submitters: PubMed 21131290; PubMed 21670436.

NM_206926.2(SELENON):c.18_46del (p.Gly7fs)

Gene: SELENON (selenoprotein N; plus strand). Cytogenetic location: 1p36.11.
Variant type: Deletion.
Coding change: c.18_46del on transcript NM_206926.2 (MANE Select); coding-DNA positions 18 to 46, 29 bases deleted (GGGCCAACGCGGGCCGCCCAGCCCCGGCC).
Protein change: p.Gly7fs; shifts the reading frame from glycine 7.
Molecular consequence: frameshift variant.
Genome position (GRCh38, 1-based): chr1:25,800,248-25,800,276, GGGCCAACGCGGGCCGCCCAGCCCCGGCC deleted; deleting any 29 consecutive bases within chr1:25,800,241-25,800,276 gives the same sequence; the c. name uses the placement nearest the transcript's 3' end. VCF-style (leftmost placement, unchanged base first): chr1-25800240-GCCCGGCCGGGCCAACGCGGGCCGCCCAGC-G. GRCh37 (hg19) VCF-style: chr1-26126731-GCCCGGCCGGGCCAACGCGGGCCGCCCAGC-G.
Other names: c.18_46del, p.Gly7fs (NM_020451.3); short protein forms G7fs.
Identifiers: ClinVar variation 1411446 (VCV001411446.6), dbSNP rs2124436429, ClinGen allele CA2573132207.